The following is an entry in ClinVar:

NM_138694.4(PKHD1):c.5090G>A (p.Gly1697Asp)

Genes: PKHD1 (PKHD1 ciliary IPT domain containing fibrocystin/polyductin; minus strand), LOC126859690 (MED14-independent group 3 enhancer GRCh37_chr6:51888848-51890047; plus strand). Cytogenetic location: 6p12.2.
Variant type: single nucleotide variant.
Coding change: c.5090G>A on transcript NM_138694.4 (MANE Select); coding-DNA position 5090, G replaced by A.
Protein change: p.Gly1697Asp; replaces glycine 1697 with aspartic acid.
Molecular consequence: missense variant.
Genome position (GRCh38, 1-based): chr6:52,024,720, C>T on the plus strand (G>A on the coding strand, the complement: PKHD1 is on the minus strand). VCF-style: chr6-52024720-C-T. GRCh37 (hg19) VCF-style: chr6-51889518-C-T.
Other names: c.5090G>A, p.Gly1697Asp (NM_170724.3); short protein forms G1697D.
Identifiers: ClinVar variation 557612 (VCV000557612.12), dbSNP rs752432638, ClinGen allele CA3852620.

ClinVar aggregate classification (germline): Uncertain significance. Review status: criteria provided, multiple submitters, no conflicts (2 of 4 stars). 6 submissions from 6 submitters: Uncertain significance (3). 3 of the submissions do not count toward it. Last evaluated 2024-01-13.

Conditions:
Autosomal recessive polycystic kidney disease (ARPKD). Also called: AR polycystic kidney disease. Identifiers: Orphanet 731, Orphanet 8378, MedGen C0085548, MeSH D017044, MONDO:0009889.
Polycystic kidney disease 4 (PKD4). Also called: PKD3; Autosomal Recessive Polycystic Kidney Disease – PKHD1; POLYCYSTIC KIDNEY AND HEPATIC DISEASE 1; POLYCYSTIC KIDNEY DISEASE, INFANTILE, TYPE I; POLYCYSTIC KIDNEY DISEASE 4 WITH OR WITHOUT POLYCYSTIC LIVER DISEASE. Identifiers: MedGen C4540575, MONDO:0033004, OMIM 263200.
Polycystic kidney disease. Also called: Kidney, Polycystic; Polycystic kidney dysplasia. Identifiers: MedGen C0022680, MeSH D007690, MONDO:0020642, HP:0000113.

Allele frequency attached by ClinVar (database versions not stated): gnomAD exomes 0.00001; ExAC 0.00002.
gnomAD v4.1: 9 of 1,614,180 alleles (0.00056%); highest among the groups gnomAD compares: Admixed American, 0.0017%; no homozygotes.

Submissions (6):

Fulgent Genetics
Classification: Uncertain significance for Polycystic kidney disease 4. Last evaluated: 2024-01-13. Review status: criteria provided, single submitter. Criteria: ACMG Guidelines, 2015. Collection method: clinical testing. Allele origin: germline.

Labcorp Genetics (formerly Invitae), Labcorp
Classification: Uncertain significance for Autosomal recessive polycystic kidney disease. Last evaluated: 2018-10-08. Review status: criteria provided, single submitter. Criteria: Invitae Variant Classification Sherloc (09022015). Collection method: clinical testing. Allele origin: germline.
Comment: This sequence change replaces glycine with aspartic acid at codon 1697 of the PKHD1 protein (p.Gly1697Asp). The glycine residue is highly conserved and there is a moderate physicochemical difference between glycine and aspartic acid. This variant is present in population databases (rs752432638, ExAC 0.005%). This variant has not been reported in the literature in individuals with PKHD1-related disease. ClinVar contains an entry for this variant (Variation ID: 557612). Algorithms developed to predict the effect of missense changes on protein structure and function are either unavailable or do not agree on the potential impact of this missense change (SIFT: "Tolerated"; PolyPhen-2: "Probably Damaging"; Align-GVGD: "Class C0"). In summary, the available evidence is currently insufficient to determine the role of this variant in disease. Therefore, it has been classified as a Variant of Uncertain Significance.

Blueprint Genetics
Classification: Uncertain significance. Last evaluated: 2018-06-05. Review status: criteria provided, single submitter. Criteria: ACMG Guidelines, 2015. Collection method: clinical testing. Allele origin: germline.

Natera, Inc.
Classification: Uncertain significance for Autosomal recessive polycystic kidney disease. Last evaluated: 2021-03-01. Review status: no assertion criteria provided. Collection method: clinical testing. Allele origin: germline. Not counted in ClinVar's aggregate classification.

Counsyl
Classification: Uncertain significance for Polycystic kidney disease 4. Last evaluated: 2018-04-05. Review status: no assertion criteria provided. Collection method: clinical testing. Allele origin: unknown. Not counted in ClinVar's aggregate classification.

Department of Pathology and Laboratory Medicine, Sinai Health System
Classification: Uncertain significance for Polycystic Kidney disease. Review status: no assertion criteria provided. Collection method: clinical testing. Allele origin: unknown. Affected: yes. Study: The Canadian Open Genetics Repository (COGR). Not counted in ClinVar's aggregate classification.
Comment: The PKHD1 p.Gly1697Asp variant was not identified in the literature nor was it identified in the ClinVar, COGR, LOVD 3.0, or the RWTH AAachen University ARPKD databases. The variant was identified in dbSNP (ID: rs752432638) and in control databases in 3 of 246152 chromosomes at a frequency of 0.00001 increasing the likelihood that this may be a low frequency variant in certain populations of origin (Genome Aggregation Consortium Feb 27, 2017); it was identified in the following populations: Latino in 1 of 33580 chromosomes (frequency: 0.00003 and European Non-Finnish in 2 of 111626 chromosomes (frequency: 0.00002). The p.Gly1697 residue is conserved in mammals and computational analyses (PolyPhen-2, SIFT, AlignGVGD, BLOSUM, MutationTaster) provide inconsistent predictions regarding the impact to the protein; this information is not very predictive of pathogenicity. The variant occurs outside of the splicing consensus sequence and 4 of 5 in silico or computational prediction software programs (SpliceSiteFinder, MaxEntScan, NNSPLICE, GeneSplicer, HumanSpliceFinder) predict a greater than 10% difference in splicing. However, this information is not predictive enough to assume pathogenicity. In summary, based on the above information the clinical significance of this variant cannot be determined with certainty at this time. This variant is classified as a variant of uncertain significance.